The following is an entry in ClinVar:

ClinVar aggregate classification (germline): Uncertain significance. Review status: criteria provided, multiple submitters, no conflicts (2 of 4 stars). 4 submissions from 4 submitters: Uncertain significance (4). Last evaluated 2026-08-06.

Allele frequency attached by ClinVar (database versions not stated): ExAC 0.00001; gnomAD 0.00002 and 0.00003; gnomAD exomes 0.00002 and 0.00003; TOPMed 0.00004.
gnomAD v4.1: 47 of 1,562,772 alleles (0.003%); highest among the groups gnomAD compares: Middle Eastern, 0.034%; no homozygotes.

Submissions (4):

OLLIN Analises Genomicas, OLLIN
Classification: Uncertain significance. Last evaluated: 2026-08-06. Review status: criteria provided, single submitter. Criteria: ACMG Guidelines 2015 PMID 25741868. Collection method: clinical testing. Allele origin: germline.
Comment: This missense variant, located in exon 4 (of 10), has been reported in ClinVar (accession VCV001005467.7) and in gnomAD with an allele frequency of 0.003007%. However, to our knowledge, it has not been reported in the scientific literature. In silico analysis predicts that this variant has a tolerated effect. According to the currently available evidence, this variant has been classified as uncertain significance (PM2_P, BP4).

Blueprint Genetics
Classification: Uncertain significance. Last evaluated: 2024-04-09. Review status: criteria provided, single submitter. Criteria: ACMG Guidelines, 2015. Collection method: clinical testing. Allele origin: germline.

Labcorp Genetics (formerly Invitae), Labcorp
Classification: Uncertain significance. Last evaluated: 2024-03-02. Review status: criteria provided, single submitter. Criteria: Invitae Variant Classification Sherloc (09022015). Collection method: clinical testing. Allele origin: germline.
Comment: This sequence change replaces arginine, which is basic and polar, with glutamine, which is neutral and polar, at codon 46 of the GNB3 protein (p.Arg46Gln). The frequency data for this variant in the population databases is considered unreliable, as metrics indicate poor data quality at this position in the gnomAD database. This missense change has been observed in individual(s) with kidney dysplasia (PMID: 26489027). ClinVar contains an entry for this variant (Variation ID: 1005467). Advanced modeling of protein sequence and biophysical properties (such as structural, functional, and spatial information, amino acid conservation, physicochemical variation, residue mobility, and thermodynamic stability) performed at Invitae indicates that this missense variant is not expected to disrupt GNB3 protein function with a negative predictive value of 80%. In summary, the available evidence is currently insufficient to determine the role of this variant in disease. Therefore, it has been classified as a Variant of Uncertain Significance.

Breakthrough Genomics
Classification: Uncertain significance. Review status: criteria provided, single submitter. Criteria: ACMG Guidelines, 2015. Collection method: not provided. Allele origin: germline. Inheritance: Autosomal recessive inheritance. Affected: yes.

Literature cited by the submitters: PubMed 26489027 (cited by Labcorp Genetics (formerly Invitae), Labcorp).

NM_002075.4(GNB3):c.137G>A (p.Arg46Gln)

Gene: GNB3 (G protein subunit beta 3; plus strand). Cytogenetic location: 12p13.31.
Variant type: single nucleotide variant.
Coding change: c.137G>A on transcript NM_002075.4 (MANE Select); coding-DNA position 137, G replaced by A.
Protein change: p.Arg46Gln; replaces arginine 46 with glutamine.
Molecular consequence: missense variant.
Genome position (GRCh38, 1-based): chr12:6,843,010, G>A. VCF-style: chr12-6843010-G-A. GRCh37 (hg19) VCF-style: chr12-6952174-G-A.
Other names: c.137G>A, p.Arg46Gln (NM_001297571.2); short protein forms R46Q.
Identifiers: ClinVar variation 1005467 (VCV001005467.9), dbSNP rs782398283, ClinGen allele CA6417421.